The following is an entry in ClinVar:

ClinVar aggregate classification (germline): Pathogenic (1 of 4 stars; one submission).

Submission:

Labcorp Genetics (formerly Invitae), Labcorp
Classification: Pathogenic. Last evaluated: 2025-05-16. Review status: criteria provided, single submitter. Criteria: Invitae Variant Classification Sherloc (09022015). Collection method: clinical testing. Allele origin: germline.
Comment: This sequence change affects an acceptor splice site in intron 14 of the ABCA4 gene. It is expected to disrupt RNA splicing. Variants that disrupt the donor or acceptor splice site typically lead to a loss of protein function (PMID: 16199547), and loss-of-function variants in ABCA4 are known to be pathogenic (PMID: 10958761, 24938718, 25312043, 26780318). This variant is not present in population databases (gnomAD no frequency). Disruption of this splice site has been observed in individuals with cone rod dystrophy and/or Stargardt disease (PMID: 33090715, 39043154). ClinVar contains an entry for this variant (Variation ID: 2779970). Algorithms developed to predict the effect of sequence changes on RNA splicing suggest that this variant may disrupt the consensus splice site. For these reasons, this variant has been classified as Pathogenic.

Literature cited by the submitters: PubMed 16199547; PubMed 10958761; PubMed 24938718; PubMed 25312043; PubMed 26780318; PubMed 33090715; PubMed 39043154.

NM_000350.3(ABCA4):c.2161-2A>G

Gene: ABCA4 (ATP binding cassette subfamily A member 4; minus strand). Cytogenetic location: 1p22.1.
Variant type: single nucleotide variant.
Coding change: c.2161-2A>G on transcript NM_000350.3 (MANE Select); the canonical splice acceptor site of the intron before coding-DNA position 2161, A replaced by G.
Molecular consequence: splice acceptor variant.
Genome position (GRCh38, 1-based): chr1:94,056,824, T>C on the plus strand (A>G on the coding strand, the complement: ABCA4 is on the minus strand). VCF-style: chr1-94056824-T-C. GRCh37 (hg19) VCF-style: chr1-94522380-T-C.
Identifiers: ClinVar variation 2779970 (VCV002779970.3), dbSNP rs2523822381, ClinGen allele CA341278187.